The following is an entry in ClinVar:

ClinVar aggregate classification (germline): Uncertain significance. Review status: criteria provided, multiple submitters, no conflicts (2 of 4 stars). 2 submissions from 2 submitters: Uncertain significance (2). Last evaluated 2025-05-05.

Conditions:
Hereditary cancer-predisposing syndrome. Also called: Neoplastic Syndromes, Hereditary; Hereditary neoplastic syndrome; Tumor predisposition; Hereditary Cancer Syndrome. Identifiers: Orphanet 140162, MedGen C0027672, MeSH D009386, MONDO:0015356.
Hereditary pheochromocytoma and paraganglioma. Also called: Hereditary Paraganglioma-Pheochromocytoma Syndromes; Hereditary paragangliomas and pheochromocytomas; Hereditary pheochromocytoma-paraganglioma. Identifiers: Orphanet 29072, MedGen C4274332, MONDO:0017366.

Allele frequency attached by ClinVar (database versions not stated): gnomAD 0.00001; gnomAD exomes below 0.00001; TOPMed below 0.00001.
gnomAD v4.1: 3 of 1,610,238 alleles (0.00019%); highest among the groups gnomAD compares: East Asian, 0.0022%; no homozygotes.

Submissions (2):

Ambry Genetics
Classification: Uncertain significance for Hereditary cancer-predisposing syndrome. Last evaluated: 2025-05-05. Review status: criteria provided, single submitter. Criteria: Ambry Variant Classification Scheme 2023. Collection method: clinical testing. Allele origin: germline.
Comment: The p.L66P variant (also known as c.197T>C), located in coding exon 1 of the TMEM127 gene, results from a T to C substitution at nucleotide position 197. The leucine at codon 66 is replaced by proline, an amino acid with similar properties. This amino acid position is highly conserved in available vertebrate species. In addition, this alteration is predicted to be deleterious by in silico analysis. Since supporting evidence is limited at this time, the clinical significance of this alteration remains unclear.

Labcorp Genetics (formerly Invitae), Labcorp
Classification: Uncertain significance for Hereditary pheochromocytoma and paraganglioma. Last evaluated: 2024-09-12. Review status: criteria provided, single submitter. Criteria: Invitae Variant Classification Sherloc (09022015). Collection method: clinical testing. Allele origin: germline.
Comment: This sequence change replaces leucine, which is neutral and non-polar, with proline, which is neutral and non-polar, at codon 66 of the TMEM127 protein (p.Leu66Pro). This variant is not present in population databases (gnomAD no frequency). This variant has not been reported in the literature in individuals affected with TMEM127-related conditions. ClinVar contains an entry for this variant (Variation ID: 486551). An algorithm developed to predict the effect of missense changes on protein structure and function (PolyPhen-2) suggests that this variant is likely to be disruptive. In summary, the available evidence is currently insufficient to determine the role of this variant in disease. Therefore, it has been classified as a Variant of Uncertain Significance.

NM_017849.4(TMEM127):c.197T>C (p.Leu66Pro)

Gene: TMEM127 (transmembrane protein 127; minus strand). Cytogenetic location: 2q11.2.
Variant type: single nucleotide variant.
Coding change: c.197T>C on transcript NM_017849.4 (MANE Select); coding-DNA position 197, T replaced by C.
Protein change: p.Leu66Pro; replaces leucine 66 with proline.
Molecular consequence: missense variant.
Genome position (GRCh38, 1-based): chr2:96,265,185, A>G on the plus strand (T>C on the coding strand, the complement: TMEM127 is on the minus strand). VCF-style: chr2-96265185-A-G. GRCh37 (hg19) VCF-style: chr2-96930923-A-G.
Other names: c.197T>C, p.Leu66Pro (NM_001193304.3); short protein forms L66P.
Identifiers: ClinVar variation 486551 (VCV000486551.16), dbSNP rs1249787183, ClinGen allele CA347655917.